The following is an entry in ClinVar:

ClinVar aggregate classification (germline): Benign. Review status: reviewed by expert panel (3 of 4 stars). 2 submissions from 2 submitters: Benign (1). 1 of the submissions does not count toward it. Last evaluated 2024-06-24.

Conditions:
Hereditary thrombocytopenia and hematologic cancer predisposition syndrome. Identifiers: Orphanet 71290, MedGen CN281654, MONDO:0011071.

Allele frequency attached by ClinVar (database versions not stated): 1000 Genomes Project 0.23383; 1000 Genomes Project 30x 0.23782; TOPMed 0.24607; gnomAD 0.25318 and 0.25699.
gnomAD v4.1: 38,449 of 152,212 alleles (25%); highest among the groups gnomAD compares: African/African-American, 29%; 5,015 homozygotes.

Submissions (2):

ClinGen Myeloid Malignancy Variant Curation Expert Panel
Classification: Benign for Hereditary thrombocytopenia and hematologic cancer predisposition syndrome. Last evaluated: 2024-06-24. Review status: reviewed by expert panel. Criteria: ClinGen MyeloMalig ACMG Specifications v2. Collection method: curation. Allele origin: germline. Inheritance: Autosomal dominant inheritance.
Comment: MAF of 0.30140 (30.1%, 2621/8696, 11,317 alleles) in the African subpopulation of the gnomAD v2 cohort is ≥ 0.0015 (0.15%) (BA1). REVEL score not applicable. SpliceAI predicts: Acceptor loss 0,00, acceptor gain 0.00, donor loss 0.00, donor gain 0.00 (BP4). Evolutionary conservation prediction algorithms predict the site as not being conserved (PhyloP score 0.550024 < 2.0 or the variant is the reference nucleotide in one primate and/or three mammal species) (BP7). In summary, this variant meets criteria to be classified as benign. ACMG/AMP criteria applied, as specified by the Myeloid Malignancy Variant Curation Expert Panel for RUNX1: BA2, BP4, BP7.

GeneDx
Classification: Benign. Last evaluated: 2018-06-23. Review status: criteria provided, single submitter. Criteria: GeneDx Variant Classification Process June 2021. Collection method: clinical testing. Allele origin: germline. Affected: yes. Not counted in ClinVar's aggregate classification.

NM_001754.5(RUNX1):c.352-184A>T

Genes: RUNX1 (RUNX family transcription factor 1; minus strand), RUNX1-AS1 (RUNX1 antisense RNA 1; plus strand). Cytogenetic location: 21q22.12.
Variant type: single nucleotide variant.
Coding change: c.352-184A>T on transcript NM_001754.5 (MANE Select); 184 bases into the intron before coding-DNA position 352, A replaced by T.
Molecular consequence: intron variant.
Genome position (GRCh38, 1-based): chr21:34,880,897, T>A on the plus strand (A>T on the coding strand, the complement: RUNX1 is on the minus strand). VCF-style: chr21-34880897-T-A. GRCh37 (hg19) VCF-style: chr21-36253194-T-A.
Other names: c.271-184A>T (NM_001001890.3, NM_001122607.2).
Identifiers: ClinVar variation 1248002 (VCV001248002.3), dbSNP rs2298354, ClinGen allele CA320638162.